The following is an entry in ClinVar:

ClinVar aggregate classification (germline): Uncertain significance (1 of 4 stars; one submission).

Conditions:
Congenital myasthenic syndrome 8. Also called: MYASTHENIC SYNDROME, CONGENITAL, DUE TO AGRIN DEFICIENCY; Myasthenic syndrome, congenital, 8, with pre- and postsynaptic defects. Identifiers: Orphanet 590, MedGen C3808739, MONDO:0014052, OMIM 615120.

Allele frequency attached by ClinVar (database versions not stated): ExAC 0.00001; gnomAD exomes 0.00001.
gnomAD v4.1: 6 of 1,613,672 alleles (0.00037%); highest among the groups gnomAD compares: Non-Finnish European, 0.00051%; no homozygotes.

Submission:

Labcorp Genetics (formerly Invitae), Labcorp
Classification: Uncertain significance for Congenital myasthenic syndrome 8. Last evaluated: 2022-02-10. Review status: criteria provided, single submitter. Criteria: Invitae Variant Classification Sherloc (09022015). Collection method: clinical testing. Allele origin: germline.
Comment: In summary, the available evidence is currently insufficient to determine the role of this variant in disease. Therefore, it has been classified as a Variant of Uncertain Significance. Algorithms developed to predict the effect of missense changes on protein structure and function (SIFT, PolyPhen-2, Align-GVGD) all suggest that this variant is likely to be tolerated. ClinVar contains an entry for this variant (Variation ID: 1022628). This variant has not been reported in the literature in individuals affected with AGRN-related conditions. This variant is present in population databases (rs759245681, gnomAD 0.0009%). This sequence change replaces serine, which is neutral and polar, with proline, which is neutral and non-polar, at codon 916 of the AGRN protein (p.Ser916Pro).

NM_198576.4(AGRN):c.2746T>C (p.Ser916Pro)

Gene: AGRN (agrin; plus strand). Cytogenetic location: 1p36.33.
Variant type: single nucleotide variant.
Coding change: c.2746T>C on transcript NM_198576.4 (MANE Select); coding-DNA position 2746, T replaced by C.
Protein change: p.Ser916Pro; replaces serine 916 with proline.
Molecular consequence: missense variant.
Genome position (GRCh38, 1-based): chr1:1,046,029, T>C. VCF-style: chr1-1046029-T-C. GRCh37 (hg19) VCF-style: chr1-981409-T-C.
Other names: c.2746T>C, p.Ser916Pro (NM_001305275.2); c.2431T>C, p.Ser811Pro (NM_001364727.2); short protein forms S811P, S916P.
Identifiers: ClinVar variation 1022628 (VCV001022628.6), dbSNP rs759245681, ClinGen allele CA508793.